The following is an entry in ClinVar:

ClinVar aggregate classification (germline): Benign. Review status: criteria provided, multiple submitters, no conflicts (2 of 4 stars). 2 submissions from 2 submitters: Benign (2). Last evaluated 2023-11-12.

Submissions (2):

Unidad de Genómica Garrahan, Hospital de Pediatría Garrahan
Classification: Benign. Last evaluated: 2023-11-12. Review status: criteria provided, single submitter. Criteria: ACMG Guidelines, 2015. Collection method: clinical testing. Allele origin: germline. Affected: no. Observed: 48 variant alleles.
Comment: This variant is classified as Benign based on local population frequency. This variant was detected in 50% of patients studied by a panel of primary immunodeficiencies. Number of patients: 48. Only high quality variants are reported.

GeneDx
Classification: Benign. Last evaluated: 2018-09-26. Review status: criteria provided, single submitter. Criteria: GeneDx Variant Classification Process June 2021. Collection method: clinical testing. Allele origin: germline. Affected: yes.

NM_203447.4(DOCK8):c.3530+94dup

Gene: DOCK8 (dedicator of cytokinesis 8; plus strand). Cytogenetic location: 9p24.3.
Variant type: Duplication.
Coding change: c.3530+94dup on transcript NM_203447.4 (MANE Select); 94 bases into the intron after coding-DNA position 3530, one base duplicated (A; older notation c.3530+94dupA).
Molecular consequence: intron variant.
Genome position (GRCh38, 1-based): chr9:407,163, A duplicated; the last of 6 consecutive A bases (chr9:407,158-407,163); duplicating any one gives the same sequence. VCF-style (leftmost placement, unchanged base first): chr9-407157-T-TA. GRCh37 (hg19) VCF-style: chr9-407157-T-TA.
Other names: c.3326+94dup (NM_001193536.2); c.3230+94dup (NM_001190458.2).
Identifiers: ClinVar variation 1267846 (VCV001267846.4), dbSNP rs60568745, ClinGen allele CA187767465.